The following is an entry in ClinVar:

ClinVar aggregate classification (germline): Benign/Likely benign (0 of 4 stars; one submission).

Submission:

ISCA site 4
Classification: Benign/Likely benign. Last evaluated: 2012-09-21. Review status: no assertion criteria provided. Collection method: clinical testing. Allele origin: unknown. Affected: yes. Observed: 7 variant alleles. Clinical features observed: Developmental delay AND/OR other significant developmental or morphological phenotypes, Global developmental delay (HP:0001263), Abnormality of the head (HP:0000234).
Comment: Likely benign (4), Benign (3)

Copy number variation identified through the course of routine clinical cytogenomic testing in postnatal populations, with clinical assertions as classified by the original submitter.

GRCh38/hg38 15q26.3(chr15:101621303-101711860)x3

Genes: TARS3 (threonyl-tRNA synthetase 3; minus strand), TM2D3 (TM2 domain containing 3; minus strand), LOC130058078 (ATAC-STARR-seq lymphoblastoid silent region 6891; plus strand), LOC130058079 (ATAC-STARR-seq lymphoblastoid silent region 6892; plus strand), LOC130058080 (ATAC-STARR-seq lymphoblastoid active region 10195; plus strand). Cytogenetic location: 15q26.3.
Variant type: copy number gain.
Change: copy number 3 (three copies instead of two) of chr15:101,621,303-101,711,860 (90.6 kb, GRCh38 coordinates, 1-based), cytogenetic band 15q26.3.
Identifiers: ClinVar variation 144573 (VCV000144573.2).